The following is an entry in ClinVar:

NM_000383.4(AIRE):c.341dup (p.Pro115fs)

Gene: AIRE (autoimmune regulator; plus strand). Cytogenetic location: 21q22.3.
Variant type: Duplication.
Coding change: c.341dup on transcript NM_000383.4 (MANE Select); coding-DNA position 341, one base duplicated (A; older notation c.341dupA).
Protein change: p.Pro115fs; shifts the reading frame from proline 115.
Molecular consequence: frameshift variant.
Genome position (GRCh38, 1-based): chr21:44,287,011, A duplicated; the last of 2 consecutive A bases (chr21:44,287,010-44,287,011); duplicating either gives the same sequence. VCF-style (leftmost placement, unchanged base first): chr21-44287009-G-GA. GRCh37 (hg19) VCF-style: chr21-45706892-G-GA.
Other names: short protein forms P115fs.
Identifiers: ClinVar variation 5012075 (VCV005012075.1).

ClinVar aggregate classification (germline): Pathogenic (1 of 4 stars; one submission).

Conditions:
Polyglandular autoimmune syndrome, type 1 (APS1). Also called: Whitaker syndrome; Autoimmune polyendocrinopathy syndrome, type I; Autoimmune polyendocrine syndrome type 1; AUTOIMMUNE POLYENDOCRINE SYNDROME, TYPE I, WITH OR WITHOUT REVERSIBLE METAPHYSEAL DYSPLASIA; APS I; HYPOADRENOCORTICISM WITH HYPOPARATHYROIDISM AND SUPERFICIAL MONILIASIS. Identifiers: Orphanet 3453, MedGen C0085859, MONDO:0009411, OMIM 240300.

Submission:

Myriad Genetics, Inc.
Classification: Pathogenic for Polyglandular autoimmune syndrome, type 1. Last evaluated: 2023-09-27. Review status: criteria provided, single submitter. Criteria: Myriad Autosomal Dominant, Autosomal Recessive and X-Linked Classification Criteria (2023). Collection method: clinical testing. Allele origin: unknown.
Comment: NM_000383.3(AIRE):c.341dupA(P115Afs*102) is expected to be pathogenic in the context of autoimmune polyglandular syndrome type 1. This variant is predicted to lead to an abnormal or absent protein product due to the creation of a premature termination codon in AIRE, a gene where loss-of-function variants are known to be pathogenic. Please note: this variant was assessed in the context of healthy population screening.